The following is an entry in ClinVar:

ClinVar aggregate classification (germline): Pathogenic/Likely pathogenic. Review status: criteria provided, multiple submitters, no conflicts (2 of 4 stars). 3 submissions from 3 submitters: Pathogenic (1); Likely pathogenic (2). Last evaluated 2025-01-06.

Conditions:
Galactosylceramide beta-galactosidase deficiency. Also called: Leukodystrophy, Globoid Cell; GALACTOCEREBROSIDASE DEFICIENCY; GALC DEFICIENCY; GLOBOID CELL LEUKOENCEPHALOPATHY; Krabbe Disease. Identifiers: Orphanet 487, MedGen C0023521, MONDO:0009499, OMIM 245200.

Allele frequency attached by ClinVar (database versions not stated): TOPMed below 0.00001; ExAC 0.00003; gnomAD 0.00005 and 0.00006; gnomAD exomes 0.00005.
gnomAD v4.1: 40 of 1,613,118 alleles (0.0025%); highest among the groups gnomAD compares: Non-Finnish European, 0.00059%; no homozygotes.

Submissions (3):

Labcorp Genetics (formerly Invitae), Labcorp
Classification: Pathogenic for Galactosylceramide beta-galactosidase deficiency. Last evaluated: 2025-01-06. Review status: criteria provided, single submitter. Criteria: Invitae Variant Classification Sherloc (09022015). Collection method: clinical testing. Allele origin: germline.
Comment: This sequence change affects an acceptor splice site in intron 2 of the GALC gene. It is expected to disrupt RNA splicing. Variants that disrupt the donor or acceptor splice site typically lead to a loss of protein function (PMID: 16199547), and loss-of-function variants in GALC are known to be pathogenic (PMID: 7437911, 9272171, 16607461). This variant is present in population databases (rs199710405, gnomAD 0.05%). Disruption of this splice site has been observed in individual(s) with Krabbe disease (internal data). In at least one individual the data is consistent with being in trans (on the opposite chromosome) from a pathogenic variant. ClinVar contains an entry for this variant (Variation ID: 1421006). Algorithms developed to predict the effect of sequence changes on RNA splicing suggest that this variant may disrupt the consensus splice site. For these reasons, this variant has been classified as Pathogenic.

Fulgent Genetics
Classification: Likely pathogenic for Galactosylceramide beta-galactosidase deficiency. Last evaluated: 2024-05-01. Review status: criteria provided, single submitter. Criteria: ACMG Guidelines, 2015. Collection method: clinical testing. Allele origin: germline.

MGZ Medical Genetics Center
Classification: Likely pathogenic for Galactosylceramide beta-galactosidase deficiency. Last evaluated: 2022-02-03. Review status: criteria provided, single submitter. Criteria: ACMG Guidelines, 2015. Collection method: clinical testing. Allele origin: germline. Affected: yes. Observed: 1 variant allele.
Comment: ACMG criteria applied: PVS1, PM2_SUP

Literature cited by the submitters: PubMed 16199547 (cited by Labcorp Genetics (formerly Invitae), Labcorp); PubMed 7437911 (cited by Labcorp Genetics (formerly Invitae), Labcorp); PubMed 9272171 (cited by Labcorp Genetics (formerly Invitae), Labcorp); PubMed 16607461 (cited by Labcorp Genetics (formerly Invitae), Labcorp).

NM_000153.4(GALC):c.265-2A>G

Gene: GALC (galactosylceramidase; minus strand). Cytogenetic location: 14q31.3.
Variant type: single nucleotide variant.
Coding change: c.265-2A>G on transcript NM_000153.4 (MANE Select); the canonical splice acceptor site of the intron before coding-DNA position 265, A replaced by G.
Molecular consequence: splice acceptor variant.
Genome position (GRCh38, 1-based): chr14:87,988,209, T>C on the plus strand (A>G on the coding strand, the complement: GALC is on the minus strand). VCF-style: chr14-87988209-T-C. GRCh37 (hg19) VCF-style: chr14-88454553-T-C.
Other names: c.187-2A>G (NM_001201402.2); c.196-2A>G (NM_001201401.2).
Identifiers: ClinVar variation 1421006 (VCV001421006.9), dbSNP rs199710405, ClinGen allele CA7297442.